The following is an entry in ClinVar:

NM_173495.3(PTCHD1):c.79TTC[1] (p.Phe28del)

Gene: PTCHD1 (patched domain containing 1; plus strand). Cytogenetic location: Xp22.11.
Variant type: Microsatellite.
Coding change: c.79TTC[1] on transcript NM_173495.3 (MANE Select); one copy of the 3-base unit TTC starting at c.79; the reference has two copies in a row; one copy, 3 bases deleted.
Protein change: p.Phe28del; deletes phenylalanine 28.
Molecular consequence: inframe deletion. On other transcripts: inframe indel (2).
Genome position (GRCh38, 1-based): chrX:23,334,957-23,334,959, TTC deleted; deleting any 3 consecutive bases within chrX:23,334,952-23,334,959 gives the same sequence; the position shown is the placement nearest the transcript's 3' end. VCF-style (leftmost placement, unchanged base first): chrX-23334951-GTCT-G. GRCh37 (hg19) VCF-style: chrX-23353068-GTCT-G.
Other names: c.79_81TTC[1], p.Phe28del (NM_173495.2); c.82_84delTTC (NM_173495.2); short protein forms F28del.
Identifiers: ClinVar variation 2245088 (VCV002245088.2), dbSNP rs2518737455, ClinGen allele CA2580616910.
Genomic context (GRCh38, chrX:23,334,951, plus strand): 5'-CTGCACAGGGGCTTGAGGACGTGTTTCTCCCGGCTCGGCCACTTCATTGCCAGTCACCCT[GTCT>G]TCTTCGCCTCGGCGCCGGTGCTCATCTCCATCCTGCTCGGCGCCAGCTTCAGCCGCTACC-3'

ClinVar aggregate classification (germline): Uncertain significance (1 of 4 stars; one submission).

Conditions:
Inborn genetic diseases. Identifiers: MedGen C0950123, MeSH D030342.

Submission:

Ambry Genetics
Classification: Uncertain significance for Inborn genetic diseases. Last evaluated: 2022-01-12. Review status: criteria provided, single submitter. Criteria: Ambry Variant Classification Scheme 2023. Collection method: clinical testing. Allele origin: germline.
Comment: The c.82_84delTTC (p.F28del) alteration is located in exon 1 (coding exon 1) of the PTCHD1 gene. This alteration consists of an in-frame deletion of 3 nucleotides between nucleotide positions c.82 and c.84, resulting in the deletion of <NA> residues. Based on insufficient or conflicting evidence, the clinical significance of this alteration remains unclear.